The following is an entry in ClinVar:

NM_017415.3(KLHL3):c.401A>G (p.Asp134Gly)

Gene: KLHL3 (kelch like family member 3; minus strand). Cytogenetic location: 5q31.2.
Variant type: single nucleotide variant.
Coding change: c.401A>G on transcript NM_017415.3 (MANE Select); coding-DNA position 401, A replaced by G.
Protein change: p.Asp134Gly; replaces aspartic acid 134 with glycine.
Molecular consequence: missense variant.
Genome position (GRCh38, 1-based): chr5:137,692,410, T>C on the plus strand (A>G on the coding strand, the complement: KLHL3 is on the minus strand). VCF-style: chr5-137692410-T-C. GRCh37 (hg19) VCF-style: chr5-137028099-T-C.
Other names: c.305A>G, p.Asp102Gly (NM_001257194.1); c.155A>G, p.Asp52Gly (NM_001257195.2); short protein forms D102G, D134G, D52G.
Identifiers: ClinVar variation 2070146 (VCV002070146.4), dbSNP rs758691957, ClinGen allele CA3422501.
Genomic context (GRCh38, chr5:137,692,410, plus strand): 5'-CCCAGGCAATTGGTGGGATGCAACTGAGACTGCAGGAAGTCACAGCAGTTCTGCCGAACA[T>C]CCATGAGCTGCAGCAAGCTGGCTGCCGGGAGCAGCACCTGCAAGAGAAGGTGACATTCTC-3'
Protein context (NP_059111.2, residues 124-144): LPAASLLQLM[Asp134Gly]VRQNCCDFLQ

ClinVar aggregate classification (germline): Uncertain significance (1 of 4 stars; one submission).

Allele frequency attached by ClinVar (database versions not stated): ExAC 0.00001; TOPMed 0.00006; gnomAD 0.00007.
gnomAD v4.1: 12 of 1,613,912 alleles (0.00074%); highest among the groups gnomAD compares: African/African-American, 0.016%; no homozygotes.

Submission:

Labcorp Genetics (formerly Invitae), Labcorp
Classification: Uncertain significance. Last evaluated: 2025-06-12. Review status: criteria provided, single submitter. Criteria: Invitae Variant Classification Sherloc (09022015). Collection method: clinical testing. Allele origin: germline.
Comment: This sequence change replaces aspartic acid, which is acidic and polar, with glycine, which is neutral and non-polar, at codon 134 of the KLHL3 protein (p.Asp134Gly). This variant is present in population databases (rs758691957, gnomAD 0.01%). This variant has not been reported in the literature in individuals affected with KLHL3-related conditions. ClinVar contains an entry for this variant (Variation ID: 2070146). Invitae Evidence Modeling of protein sequence and biophysical properties (such as structural, functional, and spatial information, amino acid conservation, physicochemical variation, residue mobility, and thermodynamic stability) indicates that this missense variant is not expected to disrupt KLHL3 protein function with a negative predictive value of 80%. In summary, the available evidence is currently insufficient to determine the role of this variant in disease. Therefore, it has been classified as a Variant of Uncertain Significance.